The following is an entry in ClinVar:

NM_001171155.1(PET100):c.-135G>T

Gene: PET100 (PET100 cytochrome c oxidase chaperone; plus strand). Cytogenetic location: 19p13.2.
Variant type: single nucleotide variant.
Coding change: c.-135G>T on transcript NM_001171155.1; 135 bases upstream of the start codon, G replaced by T.
Genome position (GRCh38, 1-based): chr19:7,629,699, G>T. VCF-style: chr19-7629699-G-T. GRCh37 (hg19) VCF-style: chr19-7694585-G-T.
Identifiers: ClinVar variation 675569 (VCV000675569.4), dbSNP rs73921477, ClinGen allele CA14724776.
Genomic context (GRCh38, chr19:7,629,699, plus strand): 5'-ACAGGCCCACGTTATTGACTTCTTTTCGACGACGCCAGCGACCGGAAGCAGAATAGAGGC[G>T]CCAGAAGATGCGCCATCAGGATACACATTGGCCAATCAGCTTCAGCAATGGAGCGTGCAA-3'

ClinVar aggregate classification (germline): Benign. Review status: criteria provided, multiple submitters, no conflicts (2 of 4 stars). 2 submissions from 2 submitters: Benign (2). Last evaluated 2018-06-16.

Allele frequency attached by ClinVar (database versions not stated): 1000 Genomes Project 0.03894; gnomAD 0.03981 and 0.04286; TOPMed 0.04521; 1000 Genomes Project 30x 0.04450.

Submissions (2):

GeneDx
Classification: Benign. Last evaluated: 2018-06-16. Review status: criteria provided, single submitter. Criteria: GeneDx Variant Classification (06012015). Collection method: clinical testing. Allele origin: germline. Affected: yes.
Comment: This variant is considered likely benign or benign based on one or more of the following criteria: it is a conservative change, it occurs at a poorly conserved position in the protein, it is predicted to be benign by multiple in silico algorithms, and/or has population frequency not consistent with disease.

Breakthrough Genomics
Classification: Benign. Review status: criteria provided, single submitter. Criteria: ACMG Guidelines, 2015. Collection method: not provided. Allele origin: germline. Inheritance: Autosomal recessive inheritance. Affected: yes.